The following is an entry in ClinVar:

NM_017739.4(POMGNT1):c.163A>G (p.Ile55Val)

Gene: POMGNT1 (protein O-linked mannose N-acetylglucosaminyltransferase 1 (beta 1,2-); minus strand). Cytogenetic location: 1p34.1.
Variant type: single nucleotide variant.
Coding change: c.163A>G on transcript NM_017739.4 (MANE Select); coding-DNA position 163, A replaced by G.
Protein change: p.Ile55Val; replaces isoleucine 55 with valine.
Molecular consequence: missense variant. On other transcripts: 5 prime UTR variant (1).
Genome position (GRCh38, 1-based): chr1:46,197,042, T>C on the plus strand (A>G on the coding strand, the complement: POMGNT1 is on the minus strand). VCF-style: chr1-46197042-T-C. GRCh37 (hg19) VCF-style: chr1-46662714-T-C.
Other names: c.163A>G, p.Ile55Val (NM_001243766.2, NM_001410783.1); c.97A>G, p.Ile33Val (NM_001290129.3); c.-267A>G (NM_001290130.2); short protein forms I33V, I55V.
Identifiers: ClinVar variation 1347054 (VCV001347054.8), dbSNP rs2148219236, ClinGen allele CA340192196.

ClinVar aggregate classification (germline): Uncertain significance (1 of 4 stars; one submission).

Conditions:
Autosomal recessive limb-girdle muscular dystrophy type 2O. Also called: Limb-Girdle Muscular Dystrophy Type 3C; MUSCULAR DYSTROPHY-DYSTROGLYCANOPATHY (LIMB-GIRDLE), TYPE C, 3; MUSCULAR DYSTROPHY-DYSTROGLYCANOPATHY, LIMB-GIRDLE, POMGNT1-RELATED. Identifiers: Orphanet 206564, MedGen C3150417, MONDO:0013161, OMIM 613157.
Muscular dystrophy-dystroglycanopathy (congenital with impaired intellectual development), type B, 3. Also called: MUSCULAR DYSTROPHY, CONGENITAL, POMGNT1-RELATED; Muscular dystrophy-dystroglycanopathy (congenital with intellectual disability), type B3. Identifiers: MedGen C3150412, MONDO:0013155, OMIM 613151.

Submission:

Labcorp Genetics (formerly Invitae), Labcorp
Classification: Uncertain significance for Autosomal recessive limb-girdle muscular dystrophy type 2O; Muscular dystrophy-dystroglycanopathy (congenital with impaired intellectual development), type B, 3. Last evaluated: 2021-04-16. Review status: criteria provided, single submitter. Criteria: Invitae Variant Classification Sherloc (09022015). Collection method: clinical testing. Allele origin: germline.
Comment: This sequence change replaces isoleucine with valine at codon 55 of the POMGNT1 protein (p.Ile55Val). The isoleucine residue is highly conserved and there is a small physicochemical difference between isoleucine and valine. This variant is not present in population databases (ExAC no frequency). This variant has not been reported in the literature in individuals with POMGNT1-related conditions. Advanced modeling of protein sequence and biophysical properties (such as structural, functional, and spatial information, amino acid conservation, physicochemical variation, residue mobility, and thermodynamic stability) performed at Invitae indicates that this missense variant is not expected to disrupt POMGNT1 protein function. In summary, the available evidence is currently insufficient to determine the role of this variant in disease. Therefore, it has been classified as a Variant of Uncertain Significance.